The following is an entry in ClinVar:

ClinVar aggregate classification (germline): Uncertain significance (1 of 4 stars; one submission).

Conditions:
Cornea plana 2 (CNA2). Also called: CORNEA PLANA 2, AUTOSOMAL RECESSIVE. Identifiers: Orphanet 53691, MedGen C1857574, MONDO:0009014, OMIM 217300.

Submission:

3billion
Classification: Uncertain significance for Cornea plana 2. Last evaluated: 2022-05-22. Review status: criteria provided, single submitter. Criteria: ACMG Guidelines, 2015. Collection method: clinical testing. Allele origin: germline. Affected: yes. Observed: 1 homozygote.
Comment: The variant is not observed in the gnomAD v2.1.1 dataset. In silico tool predictions suggest damaging effect of the variant on gene or gene product (REVEL: 0.61; 3Cnet: 0.19). Same nucleotide change resulting in same amino acid change has been previously reported to be associated with KERA related disorder (PMID: 28799822). However, the evidence of pathogenicity is insufficient at this time. Therefore, this variant is classified as uncertain significanceaccording to the recommendation of ACMG/AMP guideline.

Literature cited by the submitters: PubMed 28799822.

NM_007035.4(KERA):c.623C>G (p.Pro208Arg)

Gene: KERA (keratocan; minus strand). Cytogenetic location: 12q21.33.
Variant type: single nucleotide variant.
Coding change: c.623C>G on transcript NM_007035.4 (MANE Select); coding-DNA position 623, C replaced by G.
Protein change: p.Pro208Arg; replaces proline 208 with arginine.
Molecular consequence: missense variant.
Genome position (GRCh38, 1-based): chr12:91,055,659, G>C on the plus strand (C>G on the coding strand, the complement: KERA is on the minus strand). VCF-style: chr12-91055659-G-C. GRCh37 (hg19) VCF-style: chr12-91449436-G-C.
Other names: short protein forms P208R.
Identifiers: ClinVar variation 1687461 (VCV001687461.1), dbSNP rs778354357, ClinGen allele CA386013701.